The following is an entry in ClinVar:

ClinVar aggregate classification (germline): Likely benign. Review status: criteria provided, multiple submitters, no conflicts (2 of 4 stars). 2 submissions from 2 submitters: Likely benign (2). Last evaluated 2025-05-27.

Conditions:
KIF23-related disorder. Also called: KIF23-related condition.

gnomAD v4.1: 38 of 1,611,398 alleles (0.0024%); highest among the groups gnomAD compares: East Asian, 0.078%; no homozygotes.

Submissions (2):

Labcorp Genetics (formerly Invitae), Labcorp
Classification: Likely benign. Last evaluated: 2025-05-27. Review status: criteria provided, single submitter. Criteria: Invitae Variant Classification Sherloc (09022015). Collection method: clinical testing. Allele origin: germline.

PreventionGenetics, part of Exact Sciences
Classification: Likely benign for KIF23-related condition. Last evaluated: 2024-12-01. Review status: criteria provided, single submitter. Criteria: ACMG Guidelines, 2015. Collection method: clinical testing. Allele origin: germline.
Comment: This variant is classified as likely benign based on ACMG/AMP sequence variant interpretation guidelines (Richards et al. 2015 PMID: 25741868, with internal and published modifications).

NM_001367805.3(KIF23):c.2142C>A (p.Asn714Lys)

Gene: KIF23 (kinesin family member 23; plus strand). Cytogenetic location: 15q23.
Variant type: single nucleotide variant.
Coding change: c.2142C>A on transcript NM_001367805.3 (MANE Select); coding-DNA position 2142, C replaced by A.
Protein change: p.Asn714Lys; replaces asparagine 714 with lysine.
Molecular consequence: missense variant. On other transcripts: intron variant (1), non-coding transcript variant (1).
Genome position (GRCh38, 1-based): chr15:69,440,800, C>A. VCF-style: chr15-69440800-C-A. GRCh37 (hg19) VCF-style: chr15-69733139-C-A.
Other names: c.2100C>A (NM_138555.3); c.2067+313C>A (NM_004856.7); c.1770C>A, p.Asn590Lys (NM_001281301.2); c.2100C>A, p.Asn700Lys (NM_001367804.2, NM_138555.4); short protein forms N700K, N714K, N590K.
Identifiers: ClinVar variation 2726450 (VCV002726450.4), dbSNP rs143986431, ClinGen allele CA7635336.